The following is an entry in ClinVar:

NM_020812.4(DOCK6):c.3761T>C (p.Leu1254Pro)

Genes: DOCK6-AS1 (DOCK6 antisense RNA 1; plus strand), DOCK6 (dedicator of cytokinesis 6; minus strand). Cytogenetic location: 19p13.2.
Variant type: single nucleotide variant.
Coding change: c.3761T>C on transcript NM_020812.4 (MANE Select); coding-DNA position 3761, T replaced by C.
Protein change: p.Leu1254Pro; replaces leucine 1254 with proline.
Molecular consequence: missense variant.
Genome position (GRCh38, 1-based): chr19:11,217,047, A>G on the plus strand (T>C on the coding strand, the complement: DOCK6 is on the minus strand). VCF-style: chr19-11217047-A-G. GRCh37 (hg19) VCF-style: chr19-11327723-A-G.
Other names: c.3866T>C, p.Leu1289Pro (NM_001367830.1); short protein forms L1289P, L1254P.
Identifiers: ClinVar variation 2063816 (VCV002063816.4), dbSNP rs1600877822, ClinGen allele CA404085492.

ClinVar aggregate classification (germline): Uncertain significance (1 of 4 stars; one submission).

Submission:

Labcorp Genetics (formerly Invitae), Labcorp
Classification: Uncertain significance. Last evaluated: 2022-08-16. Review status: criteria provided, single submitter. Criteria: Invitae Variant Classification Sherloc (09022015). Collection method: clinical testing. Allele origin: germline.
Comment: Algorithms developed to predict the effect of missense changes on protein structure and function are either unavailable or do not agree on the potential impact of this missense change (SIFT: "Deleterious"; PolyPhen-2: "Probably Damaging"; Align-GVGD: "Class C0"). This sequence change replaces leucine, which is neutral and non-polar, with proline, which is neutral and non-polar, at codon 1254 of the DOCK6 protein (p.Leu1254Pro). In summary, the available evidence is currently insufficient to determine the role of this variant in disease. Therefore, it has been classified as a Variant of Uncertain Significance. This variant is not present in population databases (gnomAD no frequency). This variant has not been reported in the literature in individuals affected with DOCK6-related conditions.